The following is an entry in ClinVar:

NM_000051.4(ATM):c.7567T>C (p.Leu2523=)

Genes: ATM (ATM serine/threonine kinase; plus strand), C11orf65 (chromosome 11 open reading frame 65; minus strand). Cytogenetic location: 11q22.3.
Variant type: single nucleotide variant.
Coding change: c.7567T>C on transcript NM_000051.4 (MANE Select); coding-DNA position 7567, T replaced by C.
Protein change: p.Leu2523=; no amino-acid change (leucine 2523 retained).
Molecular consequence: synonymous variant. On other transcripts: non-coding transcript variant (1), intron variant (2).
Genome position (GRCh38, 1-based): chr11:108,331,495, T>C. VCF-style: chr11-108331495-T-C. GRCh37 (hg19) VCF-style: chr11-108202222-T-C.
Other names: c.7567T>C, p.Leu2523= (NM_001351834.2); c.641-22424A>G (NM_001330368.2); c.*38+3725A>G (NM_001351110.2).
Identifiers: ClinVar variation 628139 (VCV000628139.54), dbSNP rs1565532289, ClinGen allele CA476677051.

ClinVar aggregate classification (germline): Benign/Likely benign. Review status: criteria provided, multiple submitters, no conflicts (2 of 4 stars). 7 submissions from 7 submitters: Benign (1); Likely benign (5). 1 of the submissions does not count toward it. Last evaluated 2024-12-16.

Conditions:
Breast and/or ovarian cancer. Identifiers: MedGen CN221562.
Hereditary cancer-predisposing syndrome. Also called: Tumor predisposition; Hereditary neoplastic syndrome; Neoplastic Syndromes, Hereditary; Hereditary Cancer Syndrome. Identifiers: Orphanet 140162, MedGen C0027672, MeSH D009386, MONDO:0015356.
Familial cancer of breast. Also called: Hereditary breast cancer; BREAST CANCER, FAMILIAL; hereditary breast carcinoma. Identifiers: Orphanet 227535, MedGen C0346153, MONDO:0016419, OMIM 114480. Disease mechanism: loss of function.
Ataxia-telangiectasia syndrome (AT). Also called: Ataxia-telangiectasia, complementation group D; AT, COMPLEMENTATION GROUP C; ATAXIA-TELANGIECTASIA, COMPLEMENTATION GROUP A; ATAXIA-TELANGIECTASIA, FRESNO VARIANT; Ataxia-telangiectasia; LOUIS-BAR SYNDROME. Identifiers: Orphanet 100, MedGen C0004135, MONDO:0008840, OMIM 208900.
Malignant tumor of breast. Also called: Malignant breast neoplasm; Cancer breast. Identifiers: MedGen C0006142, MONDO:0007254. Disease mechanism: loss of function.

gnomAD v4.1: 3 of 1,613,566 alleles (0.00019%); highest among the groups gnomAD compares: South Asian, 0.0011%; no homozygotes.

Submissions (7):

Molecular Diagnostics Laboratory, Catalan Institute of Oncology
Classification: Likely benign for Hereditary cancer-predisposing syndrome. Last evaluated: 2024-12-16. Review status: criteria provided, single submitter. Criteria: ClinGen ACMG Specifications ATM V1.1.0. Collection method: clinical testing. Allele origin: germline.
Comment: PM2_Supporting, BP4, BP7 c.7567T>C located in exon 51 of the ATM gene is predicted to result in no amino acid change, p.(Leu2523=)(BP7).It is not present in the population database gnomAD v2.1.1, non cancer dataset (PM2_Supporting). The SpliceAI algorithm predicts no significant impact on splicing (BP4). To our knowledge, neither relevant clinical data nor functional studies have not been reported for this variant. In addition, the variant was also identified in the ClinVar database (1x benign, 5x likely benign) but is not present in the LOVD database. Based on currently available information, the variant c.7567T>C is classified as a likely benign variant according to ACMG guidelines.

Myriad Genetics, Inc.
Classification: Benign for Familial cancer of breast. Last evaluated: 2024-06-14. Review status: criteria provided, single submitter. Criteria: Myriad Autosomal Dominant, Autosomal Recessive and X-Linked Classification Criteria (2023). Collection method: clinical testing. Allele origin: unknown.
Comment: This variant is considered benign. This variant is a silent/synonymous amino acid change and it is not expected to impact splicing.

Labcorp Genetics (formerly Invitae), Labcorp
Classification: Likely benign for Ataxia-telangiectasia syndrome. Last evaluated: 2024-03-16. Review status: criteria provided, single submitter. Criteria: Invitae Variant Classification Sherloc (09022015). Collection method: clinical testing. Allele origin: germline.

CHEO Genetics Diagnostic Laboratory, Children's Hospital of Eastern Ontario
Classification: Likely benign for Breast and/or ovarian cancer. Last evaluated: 2021-06-01. Review status: criteria provided, single submitter. Criteria: ACMG Guidelines, 2015. Collection method: clinical testing. Allele origin: germline.

Ambry Genetics
Classification: Likely benign for Hereditary cancer-predisposing syndrome. Last evaluated: 2020-01-13. Review status: criteria provided, single submitter. Criteria: Ambry Variant Classification Scheme 2023. Collection method: clinical testing. Allele origin: germline.

Color Diagnostics, LLC DBA Color Health
Classification: Likely benign for Hereditary cancer-predisposing syndrome. Last evaluated: 2018-04-03. Review status: criteria provided, single submitter. Criteria: ACMG Guidelines, 2015. Collection method: clinical testing. Allele origin: germline.

Department of Pathology and Laboratory Medicine, Sinai Health System
Classification: Likely benign for Malignant tumor of breast. Review status: no assertion criteria provided. Collection method: clinical testing. Allele origin: unknown. Affected: yes. Study: The Canadian Open Genetics Repository (COGR). Not counted in ClinVar's aggregate classification.
Comment: The ATM p.Leu2523= variant was not identified in the literature nor was it identified in the following databases: dbSNP, ClinVar, COGR, or LOVD 3.0. The variant was not identified in the 1000 Genomes Project, the NHLBI GO Exome Sequencing Project or the Exome Aggregation Consortium (August 8th 2016) control databases. The p.Leu2523= variant is not expected to have clinical significance because it does not result in a change of amino acid and is not located in a known consensus splice site. In addition, in silico or computational prediction software programs (SpliceSiteFinder, MaxEntScan, NNSPLICE, GeneSplicer, HumanSpliceFinder) do not predict a difference in splicing. In summary, based on the above information, the clinical significance of this variant cannot be determined with certainty at this time although we would lean towards a more benign role for this variant. This variant is classified as likely benign.